The following is an entry in ClinVar:

NM_145059.3(FCSK):c.1955C>T (p.Ala652Val)

Gene: FCSK (fucose kinase; plus strand). Cytogenetic location: 16q22.1.
Variant type: single nucleotide variant.
Coding change: c.1955C>T on transcript NM_145059.3 (MANE Select); coding-DNA position 1955, C replaced by T.
Protein change: p.Ala652Val; replaces alanine 652 with valine.
Molecular consequence: missense variant.
Genome position (GRCh38, 1-based): chr16:70,474,306, C>T. VCF-style: chr16-70474306-C-T. GRCh37 (hg19) VCF-style: chr16-70508209-C-T.
Other names: NC_000016.9:g.70508209C>T; short protein forms A652V.
Identifiers: ClinVar variation 1031186 (VCV001031186.4), dbSNP rs201433219, ClinGen allele CA8143454.

ClinVar aggregate classification (germline): Uncertain significance. Review status: criteria provided, multiple submitters, no conflicts (2 of 4 stars). 3 submissions from 3 submitters: Uncertain significance (3). Last evaluated 2025-12-19.

Conditions:
Congenital disorder of glycosylation with defective fucosylation 2 (CDGF2). Identifiers: MedGen C5193028, MONDO:0020777, OMIM 618324.

Allele frequency attached by ClinVar (database versions not stated): ESP Exome Variant Server 0.00008; TOPMed 0.00009; gnomAD 0.00011 and 0.00012; gnomAD exomes 0.00013; ExAC 0.00015; 1000 Genomes Project 30x 0.00016; 1000 Genomes Project 0.00020.
gnomAD v4.1: 208 of 1,613,554 alleles (0.013%); highest among the groups gnomAD compares: Middle Eastern, 0.13%; no homozygotes.

Submissions (4):

Labcorp Genetics (formerly Invitae), Labcorp
Classification: Uncertain significance. Last evaluated: 2025-12-19. Review status: criteria provided, single submitter. Criteria: Invitae Variant Classification Sherloc (09022015). Collection method: clinical testing. Allele origin: germline.
Comment: This sequence change replaces alanine, which is neutral and non-polar, with valine, which is neutral and non-polar, at codon 652 of the FUK protein (p.Ala652Val). This variant is present in population databases (rs201433219, gnomAD 0.07%), and has an allele count higher than expected for a pathogenic variant. This variant has not been reported in the literature in individuals affected with FUK-related conditions. ClinVar contains an entry for this variant (Variation ID: 1031186). An algorithm developed to predict the effect of missense changes on protein structure and function (PolyPhen-2) suggests that this variant is likely to be tolerated. In summary, the available evidence is currently insufficient to determine the role of this variant in disease. Therefore, it has been classified as a Variant of Uncertain Significance.

Ambry Genetics
Classification: Uncertain significance. Last evaluated: 2024-05-08. Review status: criteria provided, single submitter. Criteria: Ambry Variant Classification Scheme 2023. Collection method: clinical testing. Allele origin: germline.

Baylor Genetics
Classification: Uncertain significance for Congenital disorder of glycosylation with defective fucosylation 2. Last evaluated: 2020-06-03. Review status: criteria provided, single submitter. Criteria: ACMG Guidelines, 2015. Collection method: clinical testing. Allele origin: unknown. Affected: yes.
Comment: This variant was determined to be of uncertain significance according to ACMG Guidelines, 2015 [PMID:25741868].

Dr. Peter K. Rogan Lab, Western University
No classification provided (evidence only). Condition: Ovarian serous cystadenocarcinoma. Review status: no classification provided. Collection method: in vitro. Allele origin: not applicable. Functional consequence: retained intron. Not counted in ClinVar's aggregate classification.